The following is an entry in ClinVar:

ClinVar aggregate classification (germline): Conflicting classifications of pathogenicity. Review status: criteria provided, conflicting classifications (1 of 4 stars). 3 submissions from 3 submitters: Likely pathogenic (1); Uncertain significance (2). Last evaluated 2026-07-01.

gnomAD v4.1: 2 of 1,614,176 alleles (0.00012%); highest among the groups gnomAD compares: Non-Finnish European, 0.00017%; no homozygotes.

Submissions (3):

CeGaT Center for Human Genetics Tuebingen
Classification: Likely pathogenic. Last evaluated: 2026-07-01. Review status: criteria provided, single submitter. Criteria: CeGaT Center For Human Genetics Tuebingen Variant Classification Criteria Version 2. Collection method: clinical testing. Allele origin: germline. Affected: yes. Observed: 2 variant alleles.
Comment: HTRA1: PM5, PM2:Supporting, PP3, PP4, PS3:Supporting, PS4:Supporting

Women's Health and Genetics/Laboratory Corporation of America, LabCorp
Classification: Uncertain significance. Last evaluated: 2026-01-26. Review status: criteria provided, single submitter. Criteria: LabCorp Variant Classification Summary - May 2015. Collection method: clinical testing. Allele origin: germline.
Comment: Variant summary: HTRA1 c.523G>C (p.Val175Leu) results in a conservative amino acid change in the encoded protein sequence. Algorithms developed to predict the effect of missense changes on protein structure and function are either unavailable or do not agree on the potential impact of this missense change. The variant was absent in 251496 control chromosomes. c.523G>C has been observed in at least one individual affected with clinical features of cerebral arteriopathy with subcortical infarcts and leukoencephalopathy (Internal data). These data do not allow any conclusion about variant significance. At least one publication reports experimental evidence evaluating an impact on protein function, showing significantly reduced protease activity in vitro (e.g. Malik_2024). ClinVar contains an entry for this variant (Variation ID: 1930417). Based on the evidence outlined above, the variant was classified as VUS-possibly pathogenic.

Labcorp Genetics (formerly Invitae), Labcorp
Classification: Uncertain significance. Last evaluated: 2022-03-06. Review status: criteria provided, single submitter. Criteria: Invitae Variant Classification Sherloc (09022015). Collection method: clinical testing. Allele origin: germline.
Comment: This missense change has been observed in individual(s) with clinical features of cerebral arteriopathy with subcortical infarcts and leukoencephalopathy (Invitae). In summary, the available evidence is currently insufficient to determine the role of this variant in disease. Therefore, it has been classified as a Variant of Uncertain Significance. This variant disrupts the p.Val175 amino acid residue in HTRA1. Other variant(s) that disrupt this residue have been observed in individuals with HTRA1-related conditions (PMID: 28782182, 32445900), which suggests that this may be a clinically significant amino acid residue. Algorithms developed to predict the effect of missense changes on protein structure and function are either unavailable or do not agree on the potential impact of this missense change (SIFT: "Deleterious"; PolyPhen-2: "Probably Damaging"; Align-GVGD: "Class C0"). This variant is not present in population databases (gnomAD no frequency). This sequence change replaces valine, which is neutral and non-polar, with leucine, which is neutral and non-polar, at codon 175 of the HTRA1 protein (p.Val175Leu).

Literature cited by the submitters: PubMed 39196222 (cited by Women's Health and Genetics/Laboratory Corporation of America, LabCorp); PubMed 28782182 (cited by Labcorp Genetics (formerly Invitae), Labcorp); PubMed 32445900 (cited by Labcorp Genetics (formerly Invitae), Labcorp).

NM_002775.5(HTRA1):c.523G>C (p.Val175Leu)

Gene: HTRA1 (HtrA serine peptidase 1; plus strand). Cytogenetic location: 10q26.13.
Variant type: single nucleotide variant.
Coding change: c.523G>C on transcript NM_002775.5 (MANE Select); coding-DNA position 523, G replaced by C.
Protein change: p.Val175Leu; replaces valine 175 with leucine.
Molecular consequence: missense variant.
Genome position (GRCh38, 1-based): chr10:122,488,952, G>C. VCF-style: chr10-122488952-G-C. GRCh37 (hg19) VCF-style: chr10-124248468-G-C.
Other names: short protein forms V175L.
Identifiers: ClinVar variation 1930417 (VCV001930417.33), dbSNP rs768665565, ClinGen allele CA378579912.